The following is an entry in ClinVar:

NM_147127.5(EVC2):c.194G>A (p.Gly65Glu)

Gene: EVC2 (EvC ciliary complex subunit 2; minus strand). Cytogenetic location: 4p16.2.
Variant type: single nucleotide variant.
Coding change: c.194G>A on transcript NM_147127.5 (MANE Select); coding-DNA position 194, G replaced by A.
Protein change: p.Gly65Glu; replaces glycine 65 with glutamic acid.
Molecular consequence: missense variant. On other transcripts: intron variant (1).
Genome position (GRCh38, 1-based): chr4:5,708,320, C>T on the plus strand (G>A on the coding strand, the complement: EVC2 is on the minus strand). VCF-style: chr4-5708320-C-T. GRCh37 (hg19) VCF-style: chr4-5710047-C-T.
Other names: c.-13+509G>A (NM_001166136.2); short protein forms G65E.
Identifiers: ClinVar variation 3389461 (VCV003389461.14).

ClinVar aggregate classification (germline): Uncertain significance (1 of 4 stars; one submission).

Submission:

CeGaT Center for Human Genetics Tuebingen
Classification: Uncertain significance. Last evaluated: 2024-10-01. Review status: criteria provided, single submitter. Criteria: CeGaT Center For Human Genetics Tuebingen Variant Classification Criteria Version 2. Collection method: clinical testing. Allele origin: germline. Affected: yes. Observed: 1 variant allele.
Comment: EVC2: PM2